The following is an entry in ClinVar:

NM_005472.5(KCNE3):c.38G>A (p.Ser13Asn)

Gene: KCNE3 (potassium voltage-gated channel subfamily E regulatory subunit 3; minus strand). Cytogenetic location: 11q13.4.
Variant type: single nucleotide variant.
Coding change: c.38G>A on transcript NM_005472.5 (MANE Select); coding-DNA position 38, G replaced by A.
Protein change: p.Ser13Asn; replaces serine 13 with asparagine.
Molecular consequence: missense variant.
Genome position (GRCh38, 1-based): chr11:74,457,526, C>T on the plus strand (G>A on the coding strand, the complement: KCNE3 is on the minus strand). VCF-style: chr11-74457526-C-T. GRCh37 (hg19) VCF-style: chr11-74168571-C-T.
Other names: short protein forms S13N.
Identifiers: ClinVar variation 2626384 (VCV002626384.3), dbSNP rs779362496, ClinGen allele CA224975663.
Genomic context (GRCh38, chr11:74,457,526, plus strand): 5'-GGCCGGCAGAGCAAATTGCTGTGAAGAGTGGCATTTAGAGCCTTCAGCACGGCATGCAGG[C>T]TCTCATACCAGGTCTCCGTTCCATTGGTAGTCTCCATAGCAACAGGGATTGAGGTGGGGG-3'
Protein context (NP_005463.1, residues 3-23): TTNGTETWYE[Ser13Asn]LHAVLKALNA

ClinVar aggregate classification (germline): Uncertain significance. Review status: criteria provided, multiple submitters, no conflicts (2 of 4 stars). 2 submissions from 2 submitters: Uncertain significance (2). Last evaluated 2025-07-27.

Conditions:
Brugada syndrome 6 (BRGDA6). Identifiers: Orphanet 130, MedGen C2751089, MONDO:0013145, OMIM 613119.
Cardiovascular phenotype. Identifiers: MedGen CN230736.

Allele frequency attached by ClinVar (database versions not stated): TOPMed below 0.00001.
gnomAD v4.1: 6 of 1,614,174 alleles (0.00037%); highest among the groups gnomAD compares: South Asian, 0.0022%; no homozygotes.

Submissions (2):

Labcorp Genetics (formerly Invitae), Labcorp
Classification: Uncertain significance for Brugada syndrome 6. Last evaluated: 2025-07-27. Review status: criteria provided, single submitter. Criteria: Invitae Variant Classification Sherloc (09022015). Collection method: clinical testing. Allele origin: germline.
Comment: This sequence change replaces serine, which is neutral and polar, with asparagine, which is neutral and polar, at codon 13 of the KCNE3 protein (p.Ser13Asn). This variant is present in population databases (rs779362496, gnomAD 0.003%). This variant has not been reported in the literature in individuals affected with KCNE3-related conditions. ClinVar contains an entry for this variant (Variation ID: 2626384). An algorithm developed to predict the effect of missense changes on protein structure and function (PolyPhen-2) suggests that this variant is likely to be tolerated. In summary, the available evidence is currently insufficient to determine the role of this variant in disease. Therefore, it has been classified as a Variant of Uncertain Significance.

Ambry Genetics
Classification: Uncertain significance for Cardiovascular phenotype. Last evaluated: 2023-07-15. Review status: criteria provided, single submitter. Criteria: Ambry Variant Classification Scheme 2023. Collection method: clinical testing. Allele origin: germline.
Comment: The p.S13N variant (also known as c.38G>A), located in coding exon 1 of the KCNE3 gene, results from a G to A substitution at nucleotide position 38. The serine at codon 13 is replaced by asparagine, an amino acid with highly similar properties. This amino acid position is conserved. In addition, this alteration is predicted to be tolerated by in silico analysis. Since supporting evidence is limited at this time, the clinical significance of this alteration remains unclear.